The following is an entry in ClinVar:

NM_001754.5(RUNX1):c.614-12_614-11delinsCT

Gene: RUNX1 (RUNX family transcription factor 1; minus strand). Cytogenetic location: 21q22.12.
Variant type: Indel.
Coding change: c.614-12_614-11delinsCT on transcript NM_001754.5 (MANE Select); 12 bases into the intron before coding-DNA position 614 through 11 bases into the intron before coding-DNA position 614, TC replaced by CT.
Molecular consequence: intron variant.
Genome position (GRCh38, 1-based): chr21:34,834,612-34,834,613, GA replaced by AG on the plus strand (TC replaced by CT on the coding strand, the reverse complement: RUNX1 is on the minus strand). VCF-style: chr21-34834612-GA-AG. GRCh37 (hg19) VCF-style: chr21-36206909-GA-AG.
Other names: c.533-12_533-11delinsCT (NM_001001890.3, NM_001122607.2).
Identifiers: ClinVar variation 1977529 (VCV001977529.6), dbSNP rs2517042673, ClinGen allele CA2580098681.
Genomic context (GRCh38, chr21:34,834,612, plus strand): 5'-AAAGGACAAGCTCCCGGGCTTGGTCTGATCATCTAGTTTCTGCCGATGTCCTATTGTGGG[GA>AG]GCAGGGAGGGGAGGGGATGGGGGGAGGGAAGGAGGGAGGGAAGAGATCAGAAAAAGTATT-3'

ClinVar aggregate classification (germline): Likely benign. Review status: reviewed by expert panel (3 of 4 stars). 2 submissions from 2 submitters: Likely benign (1). 1 of the submissions does not count toward it. Last evaluated 2025-01-15.

Conditions:
Hereditary thrombocytopenia and hematologic cancer predisposition syndrome. Identifiers: Orphanet 71290, MedGen CN281654, MONDO:0011071.
Hereditary thrombocytopenia and hematological cancer predisposition syndrome associated with RUNX1. Also called: RUNX1 Familial Platelet Disorder with Associated Myeloid Malignancies; Familial Platelet Disorder with Propensity to Acute Myelogenous Leukemia; Familial thrombocytopenia with propensity to acute myelogenous leukemia; PLATELET DISORDER, ASPIRIN-LIKE. Identifiers: Orphanet 71290, MedGen C1832388, MeSH C563324, MONDO:0100083, OMIM 601399.

Submissions (2):

ClinGen Myeloid Malignancy Variant Curation Expert Panel
Classification: Likely benign for Hereditary thrombocytopenia and hematologic cancer predisposition syndrome. Last evaluated: 2025-01-15. Review status: reviewed by expert panel. Criteria: ClinGen MyeloMalig ACMG Specifications v2. Collection method: curation. Allele origin: germline. Inheritance: Autosomal dominant inheritance.
Comment: NM_001754.5(RUNX1):c.614-12_614-11delinsCT is an intronic variant which has a SpliceAI score ≤ 0.20 (0.0) (BP4). This variant has a SpliceAI score ≤ 0.20 (0.0) and evolutionary conservation prediction algorithms predict the site as not being conserved (PhyloP score ≤ 2.0) (BP7). This variant is completely absent from all population databases with at least 20x coverage for RUNX1 (PM2_Supporting). In summary, this variant meets criteria to be classified as likely benign. ACMG/AMP criteria applied, as specified by the Myeloid Malignancy Variant Curation Expert Panel for RUNX1: BP4, BP7, PM2_supporting.

Labcorp Genetics (formerly Invitae), Labcorp
Classification: Likely benign for Hereditary thrombocytopenia and hematological cancer predisposition syndrome associated with RUNX1. Last evaluated: 2022-01-17. Review status: criteria provided, single submitter. Criteria: Invitae Variant Classification Sherloc (09022015). Collection method: clinical testing. Allele origin: germline. Not counted in ClinVar's aggregate classification.